The following is an entry in ClinVar:

ClinVar aggregate classification (germline): Uncertain significance (1 of 4 stars; one submission).

Conditions:
Duchenne muscular dystrophy (DMD). Also called: MUSCULAR DYSTROPHY, PSEUDOHYPERTROPHIC PROGRESSIVE, DUCHENNE TYPE; Duchenne Muscular Dystrophy (DMD). Identifiers: Orphanet 98896, MedGen C0013264, MONDO:0010679, OMIM 310200.

Submission:

Labcorp Genetics (formerly Invitae), Labcorp
Classification: Uncertain significance for Duchenne muscular dystrophy. Last evaluated: 2024-11-04. Review status: criteria provided, single submitter. Criteria: Invitae Variant Classification Sherloc (09022015). Collection method: clinical testing. Allele origin: germline.
Comment: This sequence change replaces leucine, which is neutral and non-polar, with proline, which is neutral and non-polar, at codon 2262 of the DMD protein (p.Leu2262Pro). This variant is not present in population databases (gnomAD no frequency). This variant has not been reported in the literature in individuals affected with DMD-related conditions. Invitae Evidence Modeling of protein sequence and biophysical properties (such as structural, functional, and spatial information, amino acid conservation, physicochemical variation, residue mobility, and thermodynamic stability) indicates that this missense variant is not expected to disrupt DMD protein function with a negative predictive value of 95%. In summary, the available evidence is currently insufficient to determine the role of this variant in disease. Therefore, it has been classified as a Variant of Uncertain Significance.

NM_004006.3(DMD):c.6785T>C (p.Leu2262Pro)

Gene: DMD (dystrophin; minus strand). Cytogenetic location: Xp21.1.
Variant type: single nucleotide variant.
Coding change: c.6785T>C on transcript NM_004006.3 (MANE Select); coding-DNA position 6785, T replaced by C.
Protein change: p.Leu2262Pro; replaces leucine 2262 with proline.
Molecular consequence: missense variant. On other transcripts: 5 prime UTR variant (5).
Genome position (GRCh38, 1-based): chrX:31,929,723, A>G on the plus strand (T>C on the coding strand, the complement: DMD is on the minus strand). VCF-style: chrX-31929723-A-G. GRCh37 (hg19) VCF-style: chrX-31947840-A-G.
Other names: c.6761T>C, p.Leu2254Pro (NM_000109.4); c.6773T>C, p.Leu2258Pro (NM_004009.3); c.6416T>C, p.Leu2139Pro (NM_004010.3); c.2762T>C, p.Leu921Pro (NM_004011.4); c.2753T>C, p.Leu918Pro (NM_004012.4); c.-596T>C (NM_004013.3, NM_004020.4, NM_004021.3 and 2 more transcripts); short protein forms L2139P, L2262P, L2254P, L918P, L2258P, L921P.
Identifiers: ClinVar variation 3634812 (VCV003634812.2).
Genomic context (GRCh38, chrX:31,929,723, plus strand): 5'-GGAGCACTTACAAGCACGGGTCCTCCAGTTTCATTTAATTGTTTGAGAATTCCCTGGCGC[A>G]GGGGCAACTCTTCCACCAGTAACTGAAACAGACAAATGCAACAACGTTTAAAATGAATTA-3'
Protein context (NP_003997.2, residues 2252-2272): QVKLLVEELP[Leu2262Pro]RQGILKQLNE